The following is an entry in ClinVar:

NM_001352514.2(HLCS):c.863del (p.Ser288fs)

Gene: HLCS (holocarboxylase synthetase; minus strand). Cytogenetic location: 21q22.13.
Variant type: Deletion.
Coding change: c.863del on transcript NM_001352514.2 (MANE Select); coding-DNA position 863, one base deleted (G; older notation c.863delG).
Protein change: p.Ser288fs; shifts the reading frame from serine 288.
Molecular consequence: frameshift variant. On other transcripts: non-coding transcript variant (2).
Genome position (GRCh38, 1-based): chr21:36,937,023, C deleted on the plus strand (G on the coding strand, the reverse complement: HLCS is on the minus strand). VCF-style (leftmost placement, unchanged base first): chr21-36937022-AC-A. GRCh37 (hg19) VCF-style: chr21-38309322-AC-A.
Other names: c.422del, p.Ser141fs (NM_000411.8, NM_001242784.3, NM_001242785.2 and 4 more transcripts); short protein forms S141fs, S288fs.
Identifiers: ClinVar variation 1453907 (VCV001453907.7), dbSNP rs1015594025, ClinGen allele CA320395721.
Genomic context (GRCh38, chr21:36,937,022, plus strand): 5'-TGCCTTTCCCGTGAGGTTGACTCTCCTCCCTTCTCTTTCGGGGGAGGTCTCATCAGCAAC[AC>A]TCTCCAAACTGCTGCTATAATCGTAGGGAAGGTCTGGAATGTTCTCGGCAGACGCAAACT-3'

ClinVar aggregate classification (germline): Pathogenic/Likely pathogenic. Review status: criteria provided, multiple submitters, no conflicts (2 of 4 stars). 2 submissions from 2 submitters: Pathogenic (1); Likely pathogenic (1). Last evaluated 2024-04-08.

Conditions:
Holocarboxylase synthetase deficiency. Also called: MULTIPLE CARBOXYLASE DEFICIENCY, EARLY ONSET. Identifiers: Orphanet 79242, MedGen C0268581, MONDO:0009666, OMIM 253270.

Allele frequency attached by ClinVar (database versions not stated): TOPMed below 0.00001.

Submissions (2):

Labcorp Genetics (formerly Invitae), Labcorp
Classification: Pathogenic for Holocarboxylase synthetase deficiency. Last evaluated: 2024-04-08. Review status: criteria provided, single submitter. Criteria: Invitae Variant Classification Sherloc (09022015). Collection method: clinical testing. Allele origin: germline.
Comment: This sequence change creates a premature translational stop signal (p.Ser141Metfs*117) in the HLCS gene. It is expected to result in an absent or disrupted protein product. Loss-of-function variants in HLCS are known to be pathogenic (PMID: 16134170). This variant is not present in population databases (gnomAD no frequency). This variant has not been reported in the literature in individuals affected with HLCS-related conditions. ClinVar contains an entry for this variant (Variation ID: 1453907). For these reasons, this variant has been classified as Pathogenic.

Baylor Genetics
Classification: Likely pathogenic for Holocarboxylase synthetase deficiency. Last evaluated: 2023-03-21. Review status: criteria provided, single submitter. Criteria: ACMG Guidelines, 2015. Collection method: clinical testing. Allele origin: unknown.

Literature cited by the submitters: PubMed 16134170 (cited by Labcorp Genetics (formerly Invitae), Labcorp).